The following is an entry in ClinVar:

ClinVar aggregate classification (germline): Pathogenic. Review status: criteria provided, multiple submitters, no conflicts (2 of 4 stars). 3 submissions from 3 submitters: Pathogenic (2). 1 of the submissions does not count toward it. Last evaluated 2023-05-26.

Conditions:
Deficiency of aromatic-L-amino-acid decarboxylase. Also called: AADC DEFICIENCY; DDC DEFICIENCY; DOPA DECARBOXYLASE DEFICIENCY; Aromatic amino acid decarboxylase deficiency; Aromatic L-Amino Acid Decarboxylase Deficiency. Identifiers: Orphanet 35708, MedGen C1291564, MONDO:0012084, OMIM 608643.

Allele frequency attached by ClinVar (database versions not stated): TOPMed below 0.00001.

Submissions (3):

Women's Health and Genetics/Laboratory Corporation of America, LabCorp
Classification: Pathogenic for Deficiency of aromatic-L-amino-acid decarboxylase. Last evaluated: 2023-05-26. Review status: criteria provided, single submitter. Criteria: LabCorp Variant Classification Summary - May 2015. Collection method: clinical testing. Allele origin: germline.
Comment: Variant summary: DDC c.749C>T (p.Ser250Phe) results in a non-conservative amino acid change in the encoded protein sequence. Three of four in-silico tools predict a damaging effect of the variant on protein function. The variant was absent in 251486 control chromosomes in GnomAD. Homozygous c.749C>T has been reported in the literature in multiple individuals affected with Deficiency of Aromatic-L-Amino-Acid Decarboxylase (example: Pons_2004, Veerbeek_2007). These data indicate that the variant is very likely to be associated with disease. At least two publications report experimental evidence evaluating an impact on protein function (example: Montioli_ 2003_2014, Caine_2017). The most pronounced variant effect results in a 7-fold reduction of catalytic efficiency of normal activity, and p.Ser250Phe knock-in mice reassemble a mild aromatic L-amino acid decarboxylase (AADC) deficiency. The following publications have been ascertained in the context of this evaluation (PMID: 29851841, 15079002, 23321058, 17240182, 24865461, 28973165). One clinical diagnostic laboratory has submitted clinical-significance assessments for this variant to ClinVar after 2014 without evidence for independent evaluation and classified the variant as pathogenic. Based on the evidence outlined above, the variant was classified as pathogenic.

Labcorp Genetics (formerly Invitae), Labcorp
Classification: Pathogenic for Deficiency of aromatic-L-amino-acid decarboxylase. Last evaluated: 2022-04-23. Review status: criteria provided, single submitter. Criteria: Invitae Variant Classification Sherloc (09022015). Collection method: clinical testing. Allele origin: germline.
Comment: For these reasons, this variant has been classified as Pathogenic. Experimental studies have shown that this missense change affects DDC function (PMID: 23321058, 24865461, 28973165). Algorithms developed to predict the effect of missense changes on protein structure and function are either unavailable or do not agree on the potential impact of this missense change (SIFT: "Deleterious"; PolyPhen-2: "Probably Damaging"; Align-GVGD: "Class C15"). ClinVar contains an entry for this variant (Variation ID: 17810). This missense change has been observed in individual(s) with aromatic L-amino acid decarboxylase deficiency (PMID: 15079002, 17533144, 20505134, 29851841). This variant is not present in population databases (gnomAD no frequency). This sequence change replaces serine, which is neutral and polar, with phenylalanine, which is neutral and non-polar, at codon 250 of the DDC protein (p.Ser250Phe).

OMIM
Classification: Pathogenic for AROMATIC L-AMINO ACID DECARBOXYLASE DEFICIENCY. Last evaluated: 2013-04-15. Review status: no assertion criteria provided. Collection method: literature only. Allele origin: germline. Not counted in ClinVar's aggregate classification.

Literature cited by the submitters: PubMed 17240182 (cited by Women's Health and Genetics/Laboratory Corporation of America, LabCorp); PubMed 24865461 (cited by Women's Health and Genetics/Laboratory Corporation of America, LabCorp and Labcorp Genetics (formerly Invitae), Labcorp); PubMed 28973165 (cited by Women's Health and Genetics/Laboratory Corporation of America, LabCorp and Labcorp Genetics (formerly Invitae), Labcorp); PubMed 23321058 (cited by 3 submitters); PubMed 15079002 (cited by 3 submitters); PubMed 29851841 (cited by Women's Health and Genetics/Laboratory Corporation of America, LabCorp and Labcorp Genetics (formerly Invitae), Labcorp); PubMed 17533144 (cited by Labcorp Genetics (formerly Invitae), Labcorp); PubMed 20505134 (cited by Labcorp Genetics (formerly Invitae), Labcorp and OMIM); Chang, Y. T., Mues, G., McPherson, J. D., Bedell, J., Marsh, J. L., Hyland, K., Courtwright, K. H., Summers, J. W. Mutations in the human aromatic L-amino acid decarboxylase gene. (Abstract) J. Inherit. Metab. Dis. 21: 4-only, 1998. (cited by OMIM); PubMed 1357595 (cited by OMIM).

NM_001082971.2(DDC):c.749C>T (p.Ser250Phe)

Gene: DDC (dopa decarboxylase; minus strand). Cytogenetic location: 7p12.1.
Variant type: single nucleotide variant.
Coding change: c.749C>T on transcript NM_001082971.2 (MANE Select); coding-DNA position 749, C replaced by T.
Protein change: p.Ser250Phe; replaces serine 250 with phenylalanine.
Molecular consequence: missense variant.
Genome position (GRCh38, 1-based): chr7:50,504,025, G>A on the plus strand (C>T on the coding strand, the complement: DDC is on the minus strand). VCF-style: chr7-50504025-G-A. GRCh37 (hg19) VCF-style: chr7-50571723-G-A.
Other names: c.749C>T, p.Ser250Phe (NM_000790.4, NM_001242890.2); c.635C>T, p.Ser212Phe (NM_001242886.2); c.605C>T, p.Ser202Phe (NM_001242887.2); c.515C>T, p.Ser172Phe (NM_001242888.2); c.470C>T, p.Ser157Phe (NM_001242889.2); short protein forms S250F, S212F, S157F, S172F, S202F.
Identifiers: ClinVar variation 17810 (VCV000017810.15), dbSNP rs137853208, ClinGen allele CA127444.